The following is an entry in ClinVar:

NM_021930.6(RINT1):c.1931T>C (p.Leu644Pro)

Genes: EFCAB10 (EF-hand calcium binding domain 10; minus strand), RINT1 (RAD50 interactor 1; plus strand). Cytogenetic location: 7q22.3.
Variant type: single nucleotide variant.
Coding change: c.1931T>C on transcript NM_021930.6 (MANE Select); coding-DNA position 1931, T replaced by C.
Protein change: p.Leu644Pro; replaces leucine 644 with proline.
Molecular consequence: missense variant. On other transcripts: 3 prime UTR variant (3), non-coding transcript variant (1).
Genome position (GRCh38, 1-based): chr7:105,565,321, T>C. VCF-style: chr7-105565321-T-C. GRCh37 (hg19) VCF-style: chr7-105205768-T-C.
Other names: c.*126A>G (NM_001355526.2); c.*228A>G (NM_001355530.2); c.*81A>G (NM_001355531.2); c.1697T>C, p.Leu566Pro (NM_001346599.2); c.908T>C, p.Leu303Pro (NM_001346600.2, NM_001346603.2); c.1007T>C, p.Leu336Pro (NM_001346601.2); short protein forms L336P, L644P, L303P, L566P.
Identifiers: ClinVar variation 2563358 (VCV002563358.2), dbSNP rs2485182679, ClinGen allele CA368814727.
Genomic context (GRCh38, chr7:105,565,321, plus strand): 5'-AATGTGTTTTTTCCAGATGGTTGTCCTTGCCATCTCAGTCAGAGCAGGCAGTGATGTCCC[T>C]GTCCAGTTCGGCTTGCCCGTTGCTGCTGACGTTACGAGACCATTTACTTCAGTTGGAGCA-3'
Protein context (NP_068749.3, residues 634-654): PSQSEQAVMS[Leu644Pro]SSSACPLLLT

ClinVar aggregate classification (germline): Uncertain significance (1 of 4 stars; one submission).

Allele frequency attached by ClinVar (database versions not stated): gnomAD exomes below 0.00001.
gnomAD v4.1: 7 of 1,614,226 alleles (0.00043%); highest among the groups gnomAD compares: Non-Finnish European, 0.00059%; no homozygotes.

Submission:

Ambry Genetics
Classification: Uncertain significance. Last evaluated: 2023-05-25. Review status: criteria provided, single submitter. Criteria: Ambry Variant Classification Scheme 2023. Collection method: clinical testing. Allele origin: germline.
Comment: The p.L644P variant (also known as c.1931T>C), located in coding exon 13 of the RINT1 gene, results from a T to C substitution at nucleotide position 1931. The leucine at codon 644 is replaced by proline, an amino acid with similar properties. This amino acid position is conserved. In addition, the in silico prediction for this alteration is inconclusive. Since supporting evidence is limited at this time, the clinical significance of this alteration remains unclear.